The following is an entry in ClinVar:

NM_001159699.2(FHL1):c.23-282A>G

Gene: FHL1 (four and a half LIM domains 1; plus strand). Cytogenetic location: Xq26.3.
Variant type: single nucleotide variant.
Coding change: c.23-282A>G on transcript NM_001159699.2 (MANE Select); 282 bases into the intron before coding-DNA position 23, A replaced by G.
Molecular consequence: intron variant.
Genome position (GRCh38, 1-based): chrX:136,206,125, A>G. VCF-style: chrX-136206125-A-G. GRCh37 (hg19) VCF-style: chrX-135288284-A-G.
Other names: c.-26-282A>G (NM_001159702.3, NM_001449.5, NM_001159703.2 and 9 more transcripts); c.62-282A>G (NM_001159701.2); c.23-282A>G (NM_001330659.2).
Identifiers: ClinVar variation 669527 (VCV000669527.1), dbSNP rs17001989, ClinGen allele CA336093681.

ClinVar aggregate classification (germline): Benign (1 of 4 stars; one submission).

Allele frequency attached by ClinVar (database versions not stated): gnomAD exomes 0.00279; 1000 Genomes Project 0.02093; gnomAD 0.02098 and 0.02259; 1000 Genomes Project 30x 0.02102; TOPMed 0.02415.
gnomAD v4.1: 3,264 of 411,915 alleles (0.79%); highest among the groups gnomAD compares: African/African-American, 7%; 71 homozygotes.

Submission:

GeneDx
Classification: Benign. Last evaluated: 2018-06-18. Review status: criteria provided, single submitter. Criteria: GeneDx Variant Classification (06012015). Collection method: clinical testing. Allele origin: germline. Affected: yes.
Comment: This variant is considered likely benign or benign based on one or more of the following criteria: it is a conservative change, it occurs at a poorly conserved position in the protein, it is predicted to be benign by multiple in silico algorithms, and/or has population frequency not consistent with disease.